The following is an entry in ClinVar:

ClinVar aggregate classification (germline): Uncertain significance (1 of 4 stars; one submission).

Submission:

GeneDx
Classification: Uncertain significance. Last evaluated: 2026-02-24. Review status: criteria provided, single submitter. Criteria: GeneDx Variant Classification Process June 2021. Collection method: clinical testing. Allele origin: germline.
Comment: Not observed at significant frequency in large population cohorts (gnomAD); In-frame deletion of 1 amino acid in a non-repeat region; In silico analysis supports a deleterious effect on protein structure/function; Has not been previously published as pathogenic or benign to our knowledge

NM_020987.5(ANK3):c.13118AGA[1] (p.Lys4374del)

Gene: ANK3 (ankyrin 3; minus strand). Cytogenetic location: 10q21.2.
Variant type: Microsatellite.
Coding change: c.13118AGA[1] on transcript NM_020987.5 (MANE Select); one copy of the 3-base unit AGA starting at c.13118; the reference has two copies in a row; one copy, 3 bases deleted.
Protein change: p.Lys4374del; deletes lysine 4374.
Molecular consequence: inframe deletion.
Genome position (GRCh38, 1-based): chr10:60,042,702-60,042,704, TCT deleted on the plus strand (AGA on the coding strand, the reverse complement: ANK3 is on the minus strand); deleting any 3 consecutive bases within chr10:60,042,702-60,042,708 gives the same sequence; the position shown is the placement nearest the transcript's 3' end. VCF-style (leftmost placement, unchanged base first): chr10-60042701-CTCT-C. GRCh37 (hg19) VCF-style: chr10-61802459-CTCT-C.
Other names: c.2990AGA[1], p.Lys998del (NM_001149.4); c.5570AGA[1], p.Lys1858del (NM_001204403.2); c.5591AGA[1], p.Lys1865del (NM_001204404.2); c.5588AGA[1], p.Lys1864del (NM_001320874.2); short protein forms K1858del, K4374del, K1865del, K998del, K1864del.
Identifiers: ClinVar variation 5007978 (VCV005007978.1).